The following is an entry in ClinVar:

NM_206937.2(LIG4):c.1739G>A (p.Arg580Gln)

Gene: LIG4 (DNA ligase 4; minus strand). Cytogenetic location: 13q33.3.
Variant type: single nucleotide variant.
Coding change: c.1739G>A on transcript NM_206937.2 (MANE Select); coding-DNA position 1739, G replaced by A.
Protein change: p.Arg580Gln; replaces arginine 580 with glutamine.
Molecular consequence: missense variant.
Genome position (GRCh38, 1-based): chr13:108,209,530, C>T on the plus strand (G>A on the coding strand, the complement: LIG4 is on the minus strand). VCF-style: chr13-108209530-C-T. GRCh37 (hg19) VCF-style: chr13-108861878-C-T.
Other names: c.1739G>A, p.Arg580Gln (NM_001098268.2, NM_001352598.2, NM_001352599.2 and 6 more transcripts); c.1538G>A, p.Arg513Gln (NM_001330595.2); c.1775G>A, p.Arg592Gln (NM_001352604.2); short protein forms R592Q, R513Q, R580Q.
Identifiers: ClinVar variation 656473 (VCV000656473.6), dbSNP rs146616552, ClinGen allele CA7043626.

ClinVar aggregate classification (germline): Uncertain significance. Review status: criteria provided, multiple submitters, no conflicts (2 of 4 stars). 2 submissions from 2 submitters: Uncertain significance (2). Last evaluated 2024-08-27.

Conditions:
DNA ligase IV deficiency. Identifiers: Orphanet 99812, MedGen C1847827, MONDO:0011686, OMIM 606593.

Allele frequency attached by ClinVar (database versions not stated): gnomAD exomes 0.00009; ExAC 0.00010; ESP Exome Variant Server 0.00015; gnomAD 0.00036 and 0.00037; 1000 Genomes Project 0.00060; 1000 Genomes Project 30x 0.00062; TOPMed 0.00068.

Submissions (2):

Blueprint Genetics
Classification: Uncertain significance. Last evaluated: 2024-08-27. Review status: criteria provided, single submitter. Criteria: ACMG Guidelines, 2015. Collection method: clinical testing. Allele origin: germline.

Labcorp Genetics (formerly Invitae), Labcorp
Classification: Uncertain significance for DNA ligase IV deficiency. Last evaluated: 2022-10-25. Review status: criteria provided, single submitter. Criteria: Invitae Variant Classification Sherloc (09022015). Collection method: clinical testing. Allele origin: germline.
Comment: This sequence change replaces arginine, which is basic and polar, with glutamine, which is neutral and polar, at codon 580 of the LIG4 protein (p.Arg580Gln). This variant is present in population databases (rs146616552, gnomAD 0.03%). This variant has not been reported in the literature in individuals affected with LIG4-related conditions. ClinVar contains an entry for this variant (Variation ID: 656473). Advanced modeling of protein sequence and biophysical properties (such as structural, functional, and spatial information, amino acid conservation, physicochemical variation, residue mobility, and thermodynamic stability) performed at Invitae indicates that this missense variant is expected to disrupt LIG4 protein function. In summary, the available evidence is currently insufficient to determine the role of this variant in disease. Therefore, it has been classified as a Variant of Uncertain Significance.